The following is an entry in ClinVar:

NM_001379200.1(TBX1):c.595C>T (p.Pro199Ser)

Gene: TBX1 (T-box transcription factor 1; plus strand). Cytogenetic location: 22q11.21.
Variant type: single nucleotide variant.
Coding change: c.595C>T on transcript NM_001379200.1 (MANE Select); coding-DNA position 595, C replaced by T.
Protein change: p.Pro199Ser; replaces proline 199 with serine.
Molecular consequence: missense variant.
Genome position (GRCh38, 1-based): chr22:19,764,210, C>T. VCF-style: chr22-19764210-C-T. GRCh37 (hg19) VCF-style: chr22-19751733-C-T.
Other names: c.568C>T, p.Pro190Ser (NM_005992.1, NM_080646.2, NM_080647.1); short protein forms P199S, P190S.
Identifiers: ClinVar variation 1931127 (VCV001931127.6), dbSNP rs2517849955, ClinGen allele CA410682761.
Genomic context (GRCh38, chr22:19,764,210, plus strand): 5'-TCCAGGTACGCCTTCCACAGCTCCTCCTGGCTGGTGGCGGGGAAGGCCGACCCTGCCACG[C>T]CAGGCCGCGTGCACTACCACCCGGACTCGCCTGCCAAGGGCGCGCAGTGGATGAAGCAAA-3'
Protein context (NP_001366129.1, residues 189-209): LVAGKADPAT[Pro199Ser]GRVHYHPDSP

ClinVar aggregate classification (germline): Uncertain significance. Review status: criteria provided, multiple submitters, no conflicts (2 of 4 stars). 2 submissions from 2 submitters: Uncertain significance (2). Last evaluated 2023-05-22.

Conditions:
DiGeorge syndrome. Also called: THIRD AND FOURTH PHARYNGEAL POUCH SYNDROME; Catch22. Identifiers: Orphanet 567, MedGen C0012236, MONDO:0008564, OMIM 188400.

Submissions (2):

GeneDx
Classification: Uncertain significance. Last evaluated: 2023-05-22. Review status: criteria provided, single submitter. Criteria: GeneDx Variant Classification Process June 2021. Collection method: clinical testing. Allele origin: germline. Affected: yes.
Comment: Not observed at significant frequency in large population cohorts (gnomAD); In silico analysis supports that this missense variant has a deleterious effect on protein structure/function; Has not been previously published as pathogenic or benign to our knowledge

Labcorp Genetics (formerly Invitae), Labcorp
Classification: Uncertain significance for DiGeorge syndrome. Last evaluated: 2022-06-04. Review status: criteria provided, single submitter. Criteria: Invitae Variant Classification Sherloc (09022015). Collection method: clinical testing. Allele origin: germline.
Comment: In summary, the available evidence is currently insufficient to determine the role of this variant in disease. Therefore, it has been classified as a Variant of Uncertain Significance. Algorithms developed to predict the effect of missense changes on protein structure and function (SIFT, PolyPhen-2, Align-GVGD) all suggest that this variant is likely to be disruptive. This variant has not been reported in the literature in individuals affected with TBX1-related conditions. This variant is not present in population databases (gnomAD no frequency). This sequence change replaces proline, which is neutral and non-polar, with serine, which is neutral and polar, at codon 190 of the TBX1 protein (p.Pro190Ser).